The following is an entry in ClinVar:

NM_001257096.2(PAX1):c.703G>C (p.Glu235Gln)

Gene: PAX1 (paired box 1; plus strand). Cytogenetic location: 20p11.22.
Variant type: single nucleotide variant.
Coding change: c.703G>C on transcript NM_001257096.2 (MANE Select); coding-DNA position 703, G replaced by C.
Protein change: p.Glu235Gln; replaces glutamic acid 235 with glutamine.
Molecular consequence: missense variant.
Genome position (GRCh38, 1-based): chr20:21,706,854, G>C. VCF-style: chr20-21706854-G-C. GRCh37 (hg19) VCF-style: chr20-21687492-G-C.
Other names: c.703G>C, p.Glu235Gln (NM_006192.5); short protein forms E235Q.
Identifiers: ClinVar variation 1913173 (VCV001913173.5), dbSNP rs1188314388, ClinGen allele CA408498535.
Genomic context (GRCh38, chr20:21,706,854, plus strand): 5'-AGCTCCATCAGCCGCATCCTGCGCAACAAGATCGGCAGCCTGGCGCAGCCCGGACCGTAC[G>C]AGGCAAGTAAGCAGCCGCCGTCGCAGCCTACGCTGCCCTACAACCACATCTACCAGTACC-3'
Protein context (NP_001244025.1, residues 225-245): IGSLAQPGPY[Glu235Gln]ASKQPPSQPT

ClinVar aggregate classification (germline): Uncertain significance (1 of 4 stars; one submission).

Submission:

Labcorp Genetics (formerly Invitae), Labcorp
Classification: Uncertain significance. Last evaluated: 2024-08-12. Review status: criteria provided, single submitter. Criteria: Invitae Variant Classification Sherloc (09022015). Collection method: clinical testing. Allele origin: germline.
Comment: This sequence change replaces glutamic acid, which is acidic and polar, with glutamine, which is neutral and polar, at codon 235 of the PAX1 protein (p.Glu235Gln). This variant is not present in population databases (gnomAD no frequency). This variant has not been reported in the literature in individuals affected with PAX1-related conditions. ClinVar contains an entry for this variant (Variation ID: 1913173). Advanced modeling of protein sequence and biophysical properties (such as structural, functional, and spatial information, amino acid conservation, physicochemical variation, residue mobility, and thermodynamic stability) performed at Invitae indicates that this missense variant is not expected to disrupt PAX1 protein function with a negative predictive value of 80%. In summary, the available evidence is currently insufficient to determine the role of this variant in disease. Therefore, it has been classified as a Variant of Uncertain Significance.